The following is an entry in ClinVar:

NM_001243133.2(NLRP3):c.358G>T (p.Glu120Ter)

Gene: NLRP3 (NLR family pyrin domain containing 3; plus strand). Cytogenetic location: 1q44.
Variant type: single nucleotide variant.
Coding change: c.358G>T on transcript NM_001243133.2 (MANE Select); coding-DNA position 358, G replaced by T.
Protein change: p.Glu120Ter; replaces glutamic acid 120 with a stop codon.
Molecular consequence: nonsense.
Genome position (GRCh38, 1-based): chr1:247,423,310, G>T. VCF-style: chr1-247423310-G-T. GRCh37 (hg19) VCF-style: chr1-247586612-G-T.
Other names: c.358G>T, p.Glu120Ter (NM_001079821.3, NM_001127461.3, NM_001127462.3 and 1 more transcripts); c.364G>T, p.Glu122Ter (NM_004895.5); short protein forms E120*, E122*.
Identifiers: ClinVar variation 1356737 (VCV001356737.6), dbSNP rs868381519, ClinGen allele CA345554469.

ClinVar aggregate classification (germline): Uncertain significance (1 of 4 stars; one submission).

Conditions:
Cryopyrin associated periodic syndrome (CAPS). Identifiers: Orphanet 208650, MedGen C2316212, MONDO:0016168.

Allele frequency attached by ClinVar (database versions not stated): gnomAD exomes below 0.00001.
gnomAD v4.1: 1 of 1,605,186 alleles (0.000062%); highest among the groups gnomAD compares: South Asian, 0.0011%; no homozygotes.

Submission:

Labcorp Genetics (formerly Invitae), Labcorp
Classification: Uncertain significance for Cryopyrin associated periodic syndrome. Last evaluated: 2022-11-29. Review status: criteria provided, single submitter. Criteria: Invitae Variant Classification Sherloc (09022015). Collection method: clinical testing. Allele origin: germline.
Comment: In summary, the available evidence is currently insufficient to determine the role of this variant in disease. Therefore, it has been classified as a Variant of Uncertain Significance. ClinVar contains an entry for this variant (Variation ID: 1356737). This variant has not been reported in the literature in individuals affected with NLRP3-related conditions. This variant is not present in population databases (gnomAD no frequency). This sequence change creates a premature translational stop signal (p.Glu122*) in the NLRP3 gene. It is expected to result in an absent or disrupted protein product. However, the current clinical and genetic evidence is not sufficient to establish whether loss-of-function variants in NLRP3 cause disease.